The following is an entry in ClinVar:

NM_004415.4(DSP):c.7127G>A (p.Gly2376Glu)

Gene: DSP (desmoplakin; plus strand). Cytogenetic location: 6p24.3.
Variant type: single nucleotide variant.
Coding change: c.7127G>A on transcript NM_004415.4 (MANE Select); coding-DNA position 7127, G replaced by A.
Protein change: p.Gly2376Glu; replaces glycine 2376 with glutamic acid.
Molecular consequence: missense variant.
Genome position (GRCh38, 1-based): chr6:7,584,389, G>A. VCF-style: chr6-7584389-G-A. GRCh37 (hg19) VCF-style: chr6-7584622-G-A.
Other names: c.5330G>A, p.Gly1777Glu (NM_001008844.3); c.5798G>A, p.Gly1933Glu (NM_001319034.2); short protein forms G1777E, G1933E, G2376E.
Identifiers: ClinVar variation 3069278 (VCV003069278.1), dbSNP rs1759560047, ClinGen allele CA362692291.

ClinVar aggregate classification (germline): Uncertain significance (1 of 4 stars; one submission).

Conditions:
Arrhythmogenic cardiomyopathy with wooly hair and keratoderma. Also called: Carvajal syndrome; PALMOPLANTAR KERATODERMA WITH LEFT VENTRICULAR CARDIOMYOPATHY AND WOOLLY HAIR; Dilated cardiomyopathy with woolly hair and keratoderma; Arrhythmogenic cardiomyopathy with woolly hair and keratoderma. Identifiers: Orphanet 65282, MedGen C1854063, MONDO:0011581, OMIM 605676.

Allele frequency attached by ClinVar (database versions not stated): gnomAD exomes below 0.00001; TOPMed below 0.00001.
gnomAD v4.1: 2 of 1,613,960 alleles (0.00012%); highest among the groups gnomAD compares: Non-Finnish European, 0.000085%; no homozygotes.

Submission:

All of Us Research Program, National Institutes of Health
Classification: Uncertain significance for Arrhythmogenic cardiomyopathy with wooly hair and keratoderma. Last evaluated: 2023-04-03. Review status: criteria provided, single submitter. Criteria: ACMG Guidelines, 2015. Collection method: clinical testing. Allele origin: germline. Inheritance: Autosomal dominant inheritance. Observed: 1 variant allele, 1 heterozygote.
Comment: This missense variant replaces glycine with glutamic acid at codon 2376 of the DSP protein. Computational prediction suggests that this variant may have deleterious impact on protein structure and function (internally defined REVEL score threshold >= 0.7, PMID: 27666373). To our knowledge, functional studies have not been reported for this variant. This variant has not been reported in individuals affected with DSP-related disorders in the literature. This variant has not been identified in the general population by the Genome Aggregation Database (gnomAD). The available evidence is insufficient to determine the role of this variant in disease conclusively. Therefore, this variant is classified as a Variant of Uncertain Significance.

This study involves interpretation of variants in research participants for the purpose of population health screening. Participant phenotype was not available at the time of variant classification. Additional details can be found in publication PMID: 35346344, PMCID: PMC8962531